The following is an entry in ClinVar:

NM_002734.5(PRKAR1A):c.82C>G (p.Gln28Glu)

Gene: PRKAR1A (protein kinase cAMP-dependent type I regulatory subunit alpha; plus strand). Cytogenetic location: 17q24.2.
Variant type: single nucleotide variant.
Coding change: c.82C>G on transcript NM_002734.5 (MANE Select); coding-DNA position 82, C replaced by G.
Protein change: p.Gln28Glu; replaces glutamine 28 with glutamic acid.
Molecular consequence: missense variant.
Genome position (GRCh38, 1-based): chr17:68,515,481, C>G. VCF-style: chr17-68515481-C-G. GRCh37 (hg19) VCF-style: chr17-66511622-C-G.
Other names: c.82C>G, p.Gln28Glu (NM_001276289.2, NM_001276290.1, NM_001278433.2 and 4 more transcripts); short protein forms Q28E.
Identifiers: ClinVar variation 954235 (VCV000954235.10), dbSNP rs281864780, ClinGen allele CA400751930.

ClinVar aggregate classification (germline): Uncertain significance. Review status: criteria provided, multiple submitters, no conflicts (2 of 4 stars). 2 submissions from 2 submitters: Uncertain significance (2). Last evaluated 2024-06-22.

Conditions:
Hereditary cancer-predisposing syndrome. Also called: Hereditary neoplastic syndrome; Tumor predisposition; Neoplastic Syndromes, Hereditary; Hereditary Cancer Syndrome. Identifiers: Orphanet 140162, MedGen C0027672, MeSH D009386, MONDO:0015356.
Carney complex, type 1 (CNC1). Also called: CARNEY COMPLEX, TYPE I; CARNEY MYXOMA-ENDOCRINE COMPLEX. Identifiers: Orphanet 1359, MedGen C2607929, MONDO:0008057, OMIM 160980.

Allele frequency attached by ClinVar (database versions not stated): TOPMed below 0.00001.

Submissions (2):

Labcorp Genetics (formerly Invitae), Labcorp
Classification: Uncertain significance for Carney complex, type 1. Last evaluated: 2024-06-22. Review status: criteria provided, single submitter. Criteria: Invitae Variant Classification Sherloc (09022015). Collection method: clinical testing. Allele origin: germline.
Comment: This sequence change replaces glutamine, which is neutral and polar, with glutamic acid, which is acidic and polar, at codon 28 of the PRKAR1A protein (p.Gln28Glu). This variant is not present in population databases (gnomAD no frequency). This variant has not been reported in the literature in individuals affected with PRKAR1A-related conditions. ClinVar contains an entry for this variant (Variation ID: 954235). An algorithm developed to predict the effect of missense changes on protein structure and function (PolyPhen-2) suggests that this variant is likely to be tolerated. In summary, the available evidence is currently insufficient to determine the role of this variant in disease. Therefore, it has been classified as a Variant of Uncertain Significance.

Ambry Genetics
Classification: Uncertain significance for Hereditary cancer-predisposing syndrome. Last evaluated: 2024-02-16. Review status: criteria provided, single submitter. Criteria: Ambry Variant Classification Scheme 2023. Collection method: clinical testing. Allele origin: germline.
Comment: The p.Q28E variant (also known as c.82C>G), located in coding exon 1 of the PRKAR1A gene, results from a C to G substitution at nucleotide position 82. The glutamine at codon 28 is replaced by glutamic acid, an amino acid with highly similar properties. This amino acid position is conserved. In addition, the in silico prediction for this alteration is inconclusive. Since supporting evidence is limited at this time, the clinical significance of this alteration remains unclear.